The following is an entry in ClinVar:

ClinVar aggregate classification (germline): Uncertain significance. Review status: criteria provided, multiple submitters, no conflicts (2 of 4 stars). 2 submissions from 2 submitters: Uncertain significance (2). Last evaluated 2025-05-19.

Conditions:
Hereditary cancer-predisposing syndrome. Also called: Hereditary Cancer Syndrome; Neoplastic Syndromes, Hereditary; Hereditary neoplastic syndrome; Tumor predisposition. Identifiers: Orphanet 140162, MedGen C0027672, MeSH D009386, MONDO:0015356.
Ataxia-telangiectasia syndrome (AT). Also called: Cerebello-oculocutaneous telangiectasia; Immunodeficiency with ataxia telangiectasia; Ataxia-telangiectasia, complementation group E; Ataxia-telangiectasia, complementation group D; AT, COMPLEMENTATION GROUP C; ATAXIA-TELANGIECTASIA, COMPLEMENTATION GROUP A. Identifiers: Orphanet 100, MedGen C0004135, MONDO:0008840, OMIM 208900.

Submissions (2):

Labcorp Genetics (formerly Invitae), Labcorp
Classification: Uncertain significance for Ataxia-telangiectasia syndrome. Last evaluated: 2025-05-19. Review status: criteria provided, single submitter. Criteria: Invitae Variant Classification Sherloc (09022015). Collection method: clinical testing. Allele origin: germline.
Comment: This sequence change replaces lysine, which is basic and polar, with glutamine, which is neutral and polar, at codon 93 of the ATM protein (p.Lys93Gln). This variant is not present in population databases (gnomAD no frequency). This variant has not been reported in the literature in individuals affected with ATM-related conditions. ClinVar contains an entry for this variant (Variation ID: 821788). Invitae Evidence Modeling of protein sequence and biophysical properties (such as structural, functional, and spatial information, amino acid conservation, physicochemical variation, residue mobility, and thermodynamic stability) indicates that this missense variant is not expected to disrupt ATM protein function with a negative predictive value of 95%. In summary, the available evidence is currently insufficient to determine the role of this variant in disease. Therefore, it has been classified as a Variant of Uncertain Significance.

Ambry Genetics
Classification: Uncertain significance for Hereditary cancer-predisposing syndrome. Last evaluated: 2019-05-22. Review status: criteria provided, single submitter. Criteria: Ambry Variant Classification Scheme 2023. Collection method: clinical testing. Allele origin: germline.
Comment: The p.K93Q variant (also known as c.277A>C), located in coding exon 3 of the ATM gene, results from an A to C substitution at nucleotide position 277. The lysine at codon 93 is replaced by glutamine, an amino acid with similar properties. This amino acid position is highly conserved in available vertebrate species. In addition, the in silico prediction for this alteration is inconclusive. Since supporting evidence is limited at this time, the clinical significance of this alteration remains unclear.

NM_000051.4(ATM):c.277A>C (p.Lys93Gln)

Gene: ATM (ATM serine/threonine kinase; plus strand). Cytogenetic location: 11q22.3.
Variant type: single nucleotide variant.
Coding change: c.277A>C on transcript NM_000051.4 (MANE Select); coding-DNA position 277, A replaced by C.
Protein change: p.Lys93Gln; replaces lysine 93 with glutamine.
Molecular consequence: missense variant.
Genome position (GRCh38, 1-based): chr11:108,229,269, A>C. VCF-style: chr11-108229269-A-C. GRCh37 (hg19) VCF-style: chr11-108099996-A-C.
Other names: c.277A>C, p.Lys93Gln (NM_001351834.2, NM_001351835.2, NM_001351836.2); short protein forms K93Q.
Identifiers: ClinVar variation 821788 (VCV000821788.5), dbSNP rs1555055234, ClinGen allele CA382521669.